The following is an entry in ClinVar:

NM_007214.5(SEC63):c.1371A>G (p.Glu457=)

Gene: SEC63 (SEC63 protein translocation regulator; minus strand). Cytogenetic location: 6q21.
Variant type: single nucleotide variant.
Coding change: c.1371A>G on transcript NM_007214.5 (MANE Select); coding-DNA position 1371, A replaced by G.
Protein change: p.Glu457=; no amino-acid change (glutamic acid 457 retained).
Molecular consequence: synonymous variant.
Genome position (GRCh38, 1-based): chr6:107,897,718, T>C on the plus strand (A>G on the coding strand, the complement: SEC63 is on the minus strand). VCF-style: chr6-107897718-T-C. GRCh37 (hg19) VCF-style: chr6-108218922-T-C.
Identifiers: ClinVar variation 3040323 (VCV003040323.5), dbSNP rs558158310, ClinGen allele CA3947405.

ClinVar aggregate classification (germline): Benign/Likely benign. Review status: criteria provided, multiple submitters, no conflicts (2 of 4 stars). 3 submissions from 3 submitters: Benign (1); Likely benign (1). 1 of the submissions does not count toward it. Last evaluated 2025-02-06.

Conditions:
SEC63-related disorder. Also called: SEC63-related condition.

Allele frequency attached by ClinVar (database versions not stated): TOPMed 0.00001; gnomAD 0.00007; gnomAD exomes 0.00015; ExAC 0.00039; 1000 Genomes Project 30x 0.00047; 1000 Genomes Project 0.00060.
gnomAD v4.1: 234 of 1,606,110 alleles (0.015%); highest among the groups gnomAD compares: South Asian, 0.24%; 5 homozygotes.

Submissions (3):

Labcorp Genetics (formerly Invitae), Labcorp
Classification: Benign. Last evaluated: 2025-02-06. Review status: criteria provided, single submitter. Criteria: Invitae Variant Classification Sherloc (09022015). Collection method: clinical testing. Allele origin: germline.

Blueprint Genetics
Classification: Likely benign. Last evaluated: 2024-01-19. Review status: criteria provided, single submitter. Criteria: ACMG Guidelines, 2015. Collection method: clinical testing. Allele origin: germline.

PreventionGenetics, part of Exact Sciences
Classification: Likely benign for SEC63-related condition. Last evaluated: 2019-09-19. Review status: no assertion criteria provided. Collection method: clinical testing. Allele origin: germline. Not counted in ClinVar's aggregate classification.
Comment: This variant is classified as likely benign based on ACMG/AMP sequence variant interpretation guidelines (Richards et al. 2015 PMID: 25741868, with internal and published modifications).